The following is an entry in ClinVar:

NM_000195.5(HPS1):c.1777del (p.Leu593fs)

Gene: HPS1 (HPS1 biogenesis of lysosomal organelles complex 3 subunit 1; minus strand). Cytogenetic location: 10q24.2.
Variant type: Deletion.
Coding change: c.1777del on transcript NM_000195.5 (MANE Select); coding-DNA position 1777, one base deleted (C; older notation c.1777delC).
Protein change: p.Leu593fs; shifts the reading frame from leucine 593.
Molecular consequence: frameshift variant.
Genome position (GRCh38, 1-based): chr10:98,420,125, G deleted on the plus strand (C on the coding strand, the reverse complement: HPS1 is on the minus strand); the first of 2 consecutive G bases (chr10:98,420,125-98,420,126); deleting either gives the same sequence. VCF-style (leftmost placement, unchanged base first): chr10-98420124-AG-A. GRCh37 (hg19) VCF-style: chr10-100179881-AG-A.
Other names: NM_000195.5(HPS1):c.1777del; p.Leu593fs; c.1777delC (NM_000195.4); c.805del, p.Leu269fs (NM_001311345.2, NM_001322487.2, NM_001322489.2); c.1777del, p.Leu593fs (NM_001322476.2, NM_001322477.2); c.1678del, p.Leu560fs (NM_001322478.2, NM_001322479.2); c.1516del, p.Leu506fs (NM_001322480.2, NM_001322481.2); c.1417del, p.Leu473fs (NM_001322482.2); and 2 more; short protein forms L506fs, L560fs, L269fs, L437fs, L470fs, L473fs, L593fs.
Identifiers: ClinVar variation 2154613 (VCV002154613.11), dbSNP rs1330094451, ClinGen allele CA670466117.

ClinVar aggregate classification (germline): Pathogenic/Likely pathogenic. Review status: criteria provided, multiple submitters, no conflicts (2 of 4 stars). 7 submissions from 7 submitters: Pathogenic (1); Likely pathogenic (6). Last evaluated 2025-04-30.

Conditions:
HPS1-related disorder. Also called: HPS1-related condition.
Hermansky-Pudlak syndrome 1 (HPS1). Also called: DELTA STORAGE POOL DISEASE. Identifiers: Orphanet 231500, Orphanet 79430, MedGen C2931875, MONDO:0008748, OMIM 203300.
Hermansky-Pudlak syndrome (HPS). Also called: ALBINISM WITH HEMORRHAGIC DIATHESIS AND PIGMENTED RETICULOENDOTHELIAL CELLS. Identifiers: Orphanet 79430, MedGen C0079504, MONDO:0019312.

Submissions (7):

Broad Center for Mendelian Genomics, Broad Institute of MIT and Harvard
Classification: Likely pathogenic for Hermansky-Pudlak syndrome. Last evaluated: 2025-04-30. Review status: criteria provided, single submitter. Criteria: ACMG Guidelines, 2015. Collection method: curation. Allele origin: germline. Inheritance: Autosomal recessive inheritance.
Comment: The p.Leu593CysfsTer33 variant in HPS1 has not been previously reported in the literature in individuals with Hermansky-Pudlak syndrome, but has been identified in 0.001% (16/1179866) of European (non-Finnish) chromosomes by the Genome Aggregation Database (gnomAD; dbSNP ID: rs1330094451). Although this variant has been seen in the general population in a heterozygous state, its frequency is low enough to be consistent with a recessive carrier frequency. This variant has also been reported in ClinVar (VCV002154613.7) and has been interpreted as likely pathogenic/pathogenic by Baylor Genetics, Women's Health and Genetics/Laboratory Corporation of America, and Labcorp Genetics (formerly Invitae). This variant is predicted to cause a frameshift, which alters the protein’s amino acid sequence beginning at position 593 and leads to a termination codon 33 amino acids downstream. This alteration is then predicted to lead to a truncated or absent protein. Loss of function of the HPS1 gene is an established disease mechanism in autosomal recessive Hermansky-Pudlak syndrome. In summary, although additional studies are required to fully establish its clinical significance, this variant is likely pathogenic for autosomal recessive Hermansky-Pudlak syndrome. ACMG/AMP Criteria applied: PVS1, PM2_supporting (Richards 2015).

PreventionGenetics, part of Exact Sciences
Classification: Likely pathogenic for HPS1-related condition. Last evaluated: 2025-04-04. Review status: criteria provided, single submitter. Criteria: ACMG Guidelines, 2015. Collection method: clinical testing. Allele origin: germline.
Comment: The HPS1 c.1777delC variant is predicted to result in a frameshift and premature protein termination (p.Leu593Cysfs*33). To our knowledge, this variant has not been reported in the literature or in a large population database (gnomAD), indicating this variant is rare. Frameshift variants in HPS1 are expected to be pathogenic. This variant is interpreted as likely pathogenic.

Labcorp Genetics (formerly Invitae), Labcorp
Classification: Pathogenic. Last evaluated: 2025-02-17. Review status: criteria provided, single submitter. Criteria: Invitae Variant Classification Sherloc (09022015). Collection method: clinical testing. Allele origin: germline.
Comment: This sequence change creates a premature translational stop signal (p.Leu593Cysfs*33) in the HPS1 gene. It is expected to result in an absent or disrupted protein product. Loss-of-function variants in HPS1 are known to be pathogenic (PMID: 12442288, 16185271). This variant is not present in population databases (gnomAD no frequency). This variant has not been reported in the literature in individuals affected with HPS1-related conditions. ClinVar contains an entry for this variant (Variation ID: 2154613). For these reasons, this variant has been classified as Pathogenic.

Natera, Inc.
Classification: Likely pathogenic for Hermansky-Pudlak syndrome. Last evaluated: 2024-05-23. Review status: criteria provided, single submitter. Criteria: Natera Variant Classification Schema (03/2026). Collection method: clinical testing. Allele origin: germline.
Comment: The c.1777delC variant in HPS1 is a frameshift variant predicted to shift the reading frame beginning at codon 593 and leads to a stop codon 33 codons downstream. This variant is expected to result in nonsense mediated decay, truncation, or a dysfunctional protein product. This variant is rare in the general population with a frequency below the threshold expected for the associated phenotype(s). Given the available evidence, this variant is classified as Likely Pathogenic.

Fulgent Genetics
Classification: Likely pathogenic for Hermansky-Pudlak syndrome 1. Last evaluated: 2024-02-16. Review status: criteria provided, single submitter. Criteria: ACMG Guidelines, 2015. Collection method: clinical testing. Allele origin: germline.

Baylor Genetics
Classification: Likely pathogenic for Hermansky-Pudlak syndrome 1. Last evaluated: 2024-02-12. Review status: criteria provided, single submitter. Criteria: ACMG Guidelines, 2015. Collection method: clinical testing. Allele origin: unknown.

Women's Health and Genetics/Laboratory Corporation of America, LabCorp
Classification: Likely pathogenic for Hermansky-Pudlak syndrome. Last evaluated: 2023-04-05. Review status: criteria provided, single submitter. Criteria: LabCorp Variant Classification Summary - May 2015. Collection method: clinical testing. Allele origin: germline.
Comment: Variant summary: HPS1 c.1777delC (p.Leu593CysfsX33) results in a premature termination codon, predicted to cause a truncation of the encoded protein or absence of the protein due to nonsense mediated decay, which are commonly known mechanisms for disease. The variant was absent in 250536 control chromosomes (gnomAD). To our knowledge, no occurrence of c.1777delC in individuals affected with Hermansky-Pudlak Syndrome and no experimental evidence demonstrating its impact on protein function have been reported. One clinical diagnostic laboratory has submitted a clinical-significance assessment for this variant to ClinVar after 2014 and classified the variant as pathogenic. Based on the evidence outlined above, the variant was classified as likely pathogenic.

Literature cited by the submitters: PubMed 12442288 (cited by Labcorp Genetics (formerly Invitae), Labcorp); PubMed 16185271 (cited by Labcorp Genetics (formerly Invitae), Labcorp).